The following is an entry in ClinVar:

ClinVar aggregate classification (germline): Uncertain significance. Review status: criteria provided, multiple submitters, no conflicts (2 of 4 stars). 3 submissions from 3 submitters: Uncertain significance (3). Last evaluated 2024-07-19.

Conditions:
Tuberous sclerosis 2 (TSC2). Identifiers: Orphanet 805, MedGen C1860707, MONDO:0013199, OMIM 613254.

Allele frequency attached by ClinVar (database versions not stated): gnomAD exomes below 0.00001; TOPMed below 0.00001.
gnomAD v4.1: 1 of 1,604,976 alleles (0.000062%); highest among the groups gnomAD compares: East Asian, 0.0023%; no homozygotes.

Submissions (3):

Labcorp Genetics (formerly Invitae), Labcorp
Classification: Uncertain significance for Tuberous sclerosis 2. Last evaluated: 2024-07-19. Review status: criteria provided, single submitter. Criteria: Invitae Variant Classification Sherloc (09022015). Collection method: clinical testing. Allele origin: germline.
Comment: This sequence change replaces glutamic acid, which is acidic and polar, with glycine, which is neutral and non-polar, at codon 1093 of the TSC2 protein (p.Glu1093Gly). This variant is not present in population databases (gnomAD no frequency). This variant has not been reported in the literature in individuals affected with TSC2-related conditions. ClinVar contains an entry for this variant (Variation ID: 207744). Advanced modeling of protein sequence and biophysical properties (such as structural, functional, and spatial information, amino acid conservation, physicochemical variation, residue mobility, and thermodynamic stability) performed at Invitae indicates that this missense variant is not expected to disrupt TSC2 protein function with a negative predictive value of 95%. RNA analysis performed to evaluate the impact of this missense change on mRNA splicing indicates it does not significantly alter splicing (Invitae). In summary, the available evidence is currently insufficient to determine the role of this variant in disease. Therefore, it has been classified as a Variant of Uncertain Significance.

Genome-Nilou Lab
Classification: Uncertain significance for Tuberous sclerosis 2. Last evaluated: 2021-11-07. Review status: criteria provided, single submitter. Criteria: ACMG Guidelines, 2015. Collection method: clinical testing. Allele origin: germline. Affected: no.

GeneDx
Classification: Uncertain significance. Last evaluated: 2013-01-07. Review status: criteria provided, single submitter. Criteria: GeneDx Variant Classification (06012015). Collection method: clinical testing. Allele origin: germline. Affected: yes.
Comment: p.Glu1093Gly (GAG>GGG): c.3278 A>G in exon 28 of the TSC2 gene (NM_000548.3)The Glu1093Gly missense change has not been published as a mutation, nor has it been reported as a benign polymorphism to our knowledge. The NHLBI ESP Exome Variant Project has not identified Glu1093Gly in approximately 6,500 individuals of European or African American ethnicity, indicating that it is not a common benign variant in these populations. The amino acid substitution is non-conservative, as a negatively charged, polar Glutamic acid is replaced by an uncharged, non-polar Glycine residue. While other nearby missense mutations have been reported in association with tuberous sclerosis, Glu1093Gly does not occur within known functional domains of the protein, where many pathogenic missense mutations have been identified (Northrup et al., 2011; Au et al., 2007). In addition, Glu1093Gly alters a poorly conserved position in the tuberin protein and several in-silico algorithms predict it may be non-pathogenic. Therefore, based on the currently available information, it is unclear whether Glu1093Gly is a disease-causing mutation or a rare benign variant. The variant is found in EPILEPSY panel(s).

NM_000548.5(TSC2):c.3278A>G (p.Glu1093Gly)

Gene: TSC2 (TSC complex subunit 2; plus strand). Cytogenetic location: 16p13.3.
Variant type: single nucleotide variant.
Coding change: c.3278A>G on transcript NM_000548.5 (MANE Select); coding-DNA position 3278, A replaced by G.
Protein change: p.Glu1093Gly; replaces glutamic acid 1093 with glycine.
Molecular consequence: missense variant.
Genome position (GRCh38, 1-based): chr16:2,079,422, A>G. VCF-style: chr16-2079422-A-G. GRCh37 (hg19) VCF-style: chr16-2129423-A-G.
Other names: p.E1093G:GAG>GGG; c.3146A>G, p.Glu1049Gly (NM_001077183.3, NM_001370404.1); c.3278A>G, p.Glu1093Gly (NM_001114382.3); c.3038A>G, p.Glu1013Gly (NM_001318827.2); c.3002A>G, p.Glu1001Gly (NM_001318829.2); c.2546A>G, p.Glu849Gly (NM_001318831.2); c.3179A>G, p.Glu1060Gly (NM_001318832.2); c.3149A>G, p.Glu1050Gly (NM_001363528.2, NM_001370405.1, NM_021055.3); short protein forms E1093G, E1060G, E849G, E1013G, E1049G, E1001G, E1050G.
Identifiers: ClinVar variation 207744 (VCV000207744.14), dbSNP rs796053494, ClinGen allele CA319509.